The following is an entry in ClinVar:

NM_004462.5(FDFT1):c.100-85G>C

Gene: FDFT1 (farnesyl-diphosphate farnesyltransferase 1). Cytogenetic location: 8p23.1.
Variant type: single nucleotide variant.
Coding change: c.100-85G>C on transcript NM_004462.5 (MANE Select); 85 bases into the intron before coding-DNA position 100, G replaced by C.
Molecular consequence: intron variant. On other transcripts: missense variant (1).
Genome position (GRCh38, 1-based): chr8:11,808,709, G>C. VCF-style: chr8-11808709-G-C. GRCh37 (hg19) VCF-style: chr8-11666218-G-C.
Other names: c.192G>C, p.Gln64His (NM_001287750.2); c.100-85G>C (NM_001287742.2, NM_001287743.2); c.-93-85G>C (NM_001287744.2, NM_001287745.2, NM_001287747.2 and 2 more transcripts); c.64+5799G>C (NM_001287756.2); short protein forms Q64H.
Identifiers: ClinVar variation 2579044 (VCV002579044.24), dbSNP rs750848649, ClinGen allele CA172131142.

ClinVar aggregate classification (germline): Uncertain significance. Review status: criteria provided, multiple submitters, no conflicts (2 of 4 stars). 2 submissions from 2 submitters: Uncertain significance (2). Last evaluated 2023-08-01.

Conditions:
FDFT1-related disorder. Also called: FDFT1-related condition.

Submissions (2):

CeGaT Center for Human Genetics Tuebingen
Classification: Uncertain significance. Last evaluated: 2023-08-01. Review status: criteria provided, single submitter. Criteria: CeGaT Center For Human Genetics Tuebingen Variant Classification Criteria Version 2. Collection method: clinical testing. Allele origin: germline. Affected: yes. Observed: 1 variant allele.
Comment: FDFT1: PM2, BP4

PreventionGenetics, part of Exact Sciences
Classification: Uncertain significance for FDFT1-related condition. Last evaluated: 2023-05-08. Review status: criteria provided, single submitter. Criteria: ACMG Guidelines, 2015. Collection method: clinical testing. Allele origin: germline.
Comment: The FDFT1 c.192G>C variant is predicted to result in the amino acid substitution p.Gln64His. To our knowledge, this variant has not been reported in the literature or in a large population database, indicating this variant is rare. At this time, the clinical significance of this variant is uncertain due to the absence of conclusive functional and genetic evidence.